The following is an entry in ClinVar:

NM_001020658.2(PUM1):c.517C>T (p.Arg173Ter)

Gene: PUM1 (pumilio RNA binding family member 1; minus strand). Cytogenetic location: 1p35.2.
Variant type: single nucleotide variant.
Coding change: c.517C>T on transcript NM_001020658.2 (MANE Select); coding-DNA position 517, C replaced by T.
Protein change: p.Arg173Ter; replaces arginine 173 with a stop codon.
Molecular consequence: nonsense.
Genome position (GRCh38, 1-based): chr1:31,007,018, G>A on the plus strand (C>T on the coding strand, the complement: PUM1 is on the minus strand). VCF-style: chr1-31007018-G-A. GRCh37 (hg19) VCF-style: chr1-31479865-G-A.
Other names: c.517C>T, p.Arg173Ter (NM_014676.3); short protein forms R173*.
Identifiers: ClinVar variation 4072486 (VCV004072486.1).

ClinVar aggregate classification (germline): Pathogenic (1 of 4 stars; one submission).

Submission:

GeneDx
Classification: Pathogenic. Last evaluated: 2025-01-28. Review status: criteria provided, single submitter. Criteria: GeneDx Variant Classification Process June 2021. Collection method: clinical testing. Allele origin: germline. Affected: yes.
Comment: Nonsense variant predicted to result in protein truncation or nonsense mediated decay in a gene for which loss of function is a known mechanism of disease; Not observed at significant frequency in large population cohorts (gnomAD); Has not been previously published as pathogenic or benign to our knowledge